The following is an entry in ClinVar:

NM_025074.7(FRAS1):c.10299C>T (p.Asn3433=)

Gene: FRAS1 (Fraser extracellular matrix complex subunit 1; plus strand). Cytogenetic location: 4q21.21.
Variant type: single nucleotide variant.
Coding change: c.10299C>T on transcript NM_025074.7 (MANE Select); coding-DNA position 10299, C replaced by T.
Protein change: p.Asn3433=; no amino-acid change (asparagine 3433 retained).
Molecular consequence: synonymous variant.
Genome position (GRCh38, 1-based): chr4:78,515,923, C>T. VCF-style: chr4-78515923-C-T. GRCh37 (hg19) VCF-style: chr4-79437077-C-T.
Identifiers: ClinVar variation 2869563 (VCV002869563.17), dbSNP rs377102088, ClinGen allele CA439983567.

ClinVar aggregate classification (germline): Likely benign. Review status: criteria provided, multiple submitters, no conflicts (2 of 4 stars). 2 submissions from 2 submitters: Likely benign (2). Last evaluated 2024-09-01.

gnomAD v4.1: 82 of 1,613,874 alleles (0.0051%); highest among the groups gnomAD compares: Non-Finnish European, 0.0069%; no homozygotes.

Submissions (2):

CeGaT Center for Human Genetics Tuebingen
Classification: Likely benign. Last evaluated: 2024-09-01. Review status: criteria provided, single submitter. Criteria: CeGaT Center For Human Genetics Tuebingen Variant Classification Criteria Version 2. Collection method: clinical testing. Allele origin: germline. Affected: yes. Observed: 1 variant allele.
Comment: FRAS1: BP4, BP7

Labcorp Genetics (formerly Invitae), Labcorp
Classification: Likely benign. Last evaluated: 2023-11-20. Review status: criteria provided, single submitter. Criteria: Invitae Variant Classification Sherloc (09022015). Collection method: clinical testing. Allele origin: germline.